The following is an entry in ClinVar:

ClinVar aggregate classification (germline): Uncertain significance. Review status: criteria provided, single submitter (1 of 4 stars). 2 submissions from 2 submitters: Uncertain significance (1). 1 of the submissions does not count toward it. Last evaluated 2021-08-27.

Conditions:
LAMA2-related muscular dystrophy (LAMA2-RD). Also called: Laminin alpha 2-related dystrophy. Identifiers: MedGen C5679788, MONDO:0100228.
Merosin deficient congenital muscular dystrophy (MDC1A). Also called: Congenital merosin-deficient muscular dystrophy 1A; Congenital Muscular Dystrophy Type 1A (MDC1A). Identifiers: Orphanet 258, MedGen C1263858, MONDO:0011925, OMIM 607855.

Allele frequency attached by ClinVar (database versions not stated): gnomAD exomes below 0.00001; ExAC 0.00001.
gnomAD v4.1: 2 of 1,614,112 alleles (0.00012%); highest among the groups gnomAD compares: Non-Finnish European, 0.00017%; no homozygotes.

Submissions (2):

Labcorp Genetics (formerly Invitae), Labcorp
Classification: Uncertain significance for LAMA2-related muscular dystrophy. Last evaluated: 2021-08-27. Review status: criteria provided, single submitter. Criteria: Invitae Variant Classification Sherloc (09022015). Collection method: clinical testing. Allele origin: germline.
Comment: This sequence change replaces glycine with glutamic acid at codon 1411 of the LAMA2 protein (p.Gly1411Glu). The glycine residue is weakly conserved and there is a moderate physicochemical difference between glycine and glutamic acid. This variant is present in population databases (rs727502850, ExAC 0.001%). This variant has not been reported in the literature in individuals affected with LAMA2-related conditions. ClinVar contains an entry for this variant (Variation ID: 162577). Algorithms developed to predict the effect of missense changes on protein structure and function (SIFT, PolyPhen-2, Align-GVGD) all suggest that this variant is likely to be tolerated. In summary, the available evidence is currently insufficient to determine the role of this variant in disease. Therefore, it has been classified as a Variant of Uncertain Significance.

Counsyl
Classification: Uncertain significance for Merosin deficient congenital muscular dystrophy. Last evaluated: 2017-06-26. Review status: no assertion criteria provided. Collection method: clinical testing. Allele origin: unknown. Not counted in ClinVar's aggregate classification.

NM_000426.4(LAMA2):c.4232G>A (p.Gly1411Glu)

Gene: LAMA2 (laminin subunit alpha 2; plus strand). Cytogenetic location: 6q22.33.
Variant type: single nucleotide variant.
Coding change: c.4232G>A on transcript NM_000426.4 (MANE Select); coding-DNA position 4232, G replaced by A.
Protein change: p.Gly1411Glu; replaces glycine 1411 with glutamic acid.
Molecular consequence: missense variant.
Genome position (GRCh38, 1-based): chr6:129,328,333, G>A. VCF-style: chr6-129328333-G-A. GRCh37 (hg19) VCF-style: chr6-129649478-G-A.
Other names: c.4232G>A, p.Gly1411Glu (NM_001079823.2); short protein forms G1411E.
Identifiers: ClinVar variation 162577 (VCV000162577.4), dbSNP rs727502850, ClinGen allele CA295395.